The following is an entry in ClinVar:

NM_000302.4(PLOD1):c.1451G>C (p.Cys484Ser)

Gene: PLOD1 (procollagen-lysine,2-oxoglutarate 5-dioxygenase 1; plus strand). Cytogenetic location: 1p36.22.
Variant type: single nucleotide variant.
Coding change: c.1451G>C on transcript NM_000302.4 (MANE Select); coding-DNA position 1451, G replaced by C.
Protein change: p.Cys484Ser; replaces cysteine 484 with serine.
Molecular consequence: missense variant.
Genome position (GRCh38, 1-based): chr1:11,964,766, G>C. VCF-style: chr1-11964766-G-C. GRCh37 (hg19) VCF-style: chr1-12024823-G-C.
Other names: c.1592G>C, p.Cys531Ser (NM_001316320.2); short protein forms C531S, C484S.
Identifiers: ClinVar variation 1348620 (VCV001348620.9), dbSNP rs1490187110, ClinGen allele CA338443939.

ClinVar aggregate classification (germline): Uncertain significance. Review status: criteria provided, multiple submitters, no conflicts (2 of 4 stars). 3 submissions from 3 submitters: Uncertain significance (3). Last evaluated 2025-05-14.

Conditions:
Ehlers-Danlos syndrome, kyphoscoliotic type 1 (EDSKSCL1). Also called: EHLERS-DANLOS SYNDROME, OCULAR-SCOLIOTIC TYPE; PLOD1-Related Kyphoscoliotic Ehlers-Danlos Syndrome; Ehlers-Danlos syndrome, hydroxylysine-deficient; EHLERS-DANLOS SYNDROME, TYPE VIA. Identifiers: Orphanet 1900, MedGen C0268342, MONDO:0016002, OMIM 225400. Disease mechanism: loss of function.
Familial thoracic aortic aneurysm and aortic dissection (TAAD). Also called: Thoracic aortic aneurysms and dissections. Identifiers: Orphanet 91387, MedGen C4707243, MONDO:0019625.

Allele frequency attached by ClinVar (database versions not stated): gnomAD exomes below 0.00001.
gnomAD v4.1: 4 of 1,613,688 alleles (0.00025%); highest among the groups gnomAD compares: Non-Finnish European, 0.00025%; no homozygotes.

Submissions (3):

Ambry Genetics
Classification: Uncertain significance for Familial thoracic aortic aneurysm and aortic dissection. Last evaluated: 2025-05-14. Review status: criteria provided, single submitter. Criteria: Ambry Variant Classification Scheme 2023. Collection method: clinical testing. Allele origin: germline.
Comment: The p.C484S variant (also known as c.1451G>C), located in coding exon 13 of the PLOD1 gene, results from a G to C substitution at nucleotide position 1451. The cysteine at codon 484 is replaced by serine, an amino acid with dissimilar properties. This amino acid position is highly conserved in available vertebrate species. In addition, the in silico prediction for this alteration is inconclusive. Since supporting evidence is limited at this time, the clinical significance of this alteration remains unclear.

GeneDx
Classification: Uncertain significance. Last evaluated: 2022-03-18. Review status: criteria provided, single submitter. Criteria: GeneDx Variant Classification Process June 2021. Collection method: clinical testing. Allele origin: germline. Affected: yes.
Comment: Not observed at significant frequency in large population cohorts (gnomAD); In silico analysis supports that this missense variant has a deleterious effect on protein structure/function; Has not been previously published as pathogenic or benign to our knowledge

Labcorp Genetics (formerly Invitae), Labcorp
Classification: Uncertain significance for Ehlers-Danlos syndrome, kyphoscoliotic type 1. Last evaluated: 2021-08-31. Review status: criteria provided, single submitter. Criteria: Invitae Variant Classification Sherloc (09022015). Collection method: clinical testing. Allele origin: germline.
Comment: This sequence change replaces cysteine with serine at codon 484 of the PLOD1 protein (p.Cys484Ser). The cysteine residue is highly conserved and there is a moderate physicochemical difference between cysteine and serine. This variant is not present in population databases (ExAC no frequency). This variant has not been reported in the literature in individuals affected with PLOD1-related conditions. Algorithms developed to predict the effect of missense changes on protein structure and function are either unavailable or do not agree on the potential impact of this missense change (SIFT: "Deleterious"; PolyPhen-2: "Benign"; Align-GVGD: "Class C65"). Experimental studies have shown that this missense change does not substantially affect PLOD1 function (PMID: 10686424). In summary, the available evidence is currently insufficient to determine the role of this variant in disease. Therefore, it has been classified as a Variant of Uncertain Significance.

Literature cited by the submitters: PubMed 10686424 (cited by Labcorp Genetics (formerly Invitae), Labcorp).